The following is an entry in ClinVar:

NM_000264.5(PTCH1):c.4256G>A (p.Arg1419Gln)

Gene: PTCH1 (patched 1; minus strand). Cytogenetic location: 9q22.32.
Variant type: single nucleotide variant.
Coding change: c.4256G>A on transcript NM_000264.5 (MANE Select); coding-DNA position 4256, G replaced by A.
Protein change: p.Arg1419Gln; replaces arginine 1419 with glutamine.
Molecular consequence: missense variant. On other transcripts: non-coding transcript variant (1).
Genome position (GRCh38, 1-based): chr9:95,447,000, C>T on the plus strand (G>A on the coding strand, the complement: PTCH1 is on the minus strand). VCF-style: chr9-95447000-C-T. GRCh37 (hg19) VCF-style: chr9-98209282-C-T.
Other names: c.4256G>A (NM_000264.4); c.4058G>A, p.Arg1353Gln (NM_001083602.3); c.4253G>A, p.Arg1418Gln (NM_001083603.3); c.3803G>A, p.Arg1268Gln (NM_001083604.3, NM_001083605.3, NM_001083606.3 and 1 more transcripts); c.4100G>A, p.Arg1367Gln (NM_001354918.2); short protein forms R1353Q, R1419Q, R1367Q, R1268Q, R1418Q.
Identifiers: ClinVar variation 453889 (VCV000453889.16), dbSNP rs372686352, ClinGen allele CA5137910.

ClinVar aggregate classification (germline): Likely benign. Review status: criteria provided, multiple submitters, no conflicts (2 of 4 stars). 4 submissions from 4 submitters: Likely benign (4). Last evaluated 2026-02-03.

Conditions:
Hereditary cancer-predisposing syndrome. Also called: Tumor predisposition; Hereditary neoplastic syndrome; Neoplastic Syndromes, Hereditary; Hereditary Cancer Syndrome. Identifiers: Orphanet 140162, MedGen C0027672, MeSH D009386, MONDO:0015356.
Gorlin syndrome. Also called: Nevoid Basal Cell Carcinoma Syndrome; Basal cell nevus syndrome. Identifiers: Orphanet 377, MedGen C0004779, MONDO:0007187.
PTCH1-related disorder. Also called: PTCH1-related disorders; PTCH1-related condition.

Allele frequency attached by ClinVar (database versions not stated): gnomAD exomes 0.00004 and 0.00008; gnomAD 0.00005; TOPMed 0.00006; ExAC 0.00007; ESP Exome Variant Server 0.00015.
gnomAD v4.1: 66 of 1,614,068 alleles (0.0041%); highest among the groups gnomAD compares: Middle Eastern, 0.033%; 1 homozygote.

Submissions (4):

Labcorp Genetics (formerly Invitae), Labcorp
Classification: Likely benign for Gorlin syndrome. Last evaluated: 2026-02-03. Review status: criteria provided, single submitter. Criteria: Invitae Variant Classification Sherloc (09022015). Collection method: clinical testing. Allele origin: germline.

PreventionGenetics, part of Exact Sciences
Classification: Likely benign for PTCH1-related condition. Last evaluated: 2024-10-31. Review status: criteria provided, single submitter. Criteria: ACMG Guidelines, 2015. Collection method: clinical testing. Allele origin: germline.
Comment: This variant is classified as likely benign based on ACMG/AMP sequence variant interpretation guidelines (Richards et al. 2015 PMID: 25741868, with internal and published modifications).

Quest Diagnostics Nichols Institute San Juan Capistrano
Classification: Likely benign. Last evaluated: 2023-08-04. Review status: criteria provided, single submitter. Criteria: Quest Diagnostics criteria. Collection method: clinical testing. Allele origin: unknown.

Ambry Genetics
Classification: Likely benign for Hereditary cancer-predisposing syndrome. Last evaluated: 2022-07-05. Review status: criteria provided, single submitter. Criteria: Ambry Variant Classification Scheme 2023. Collection method: clinical testing. Allele origin: germline.